The following is an entry in ClinVar:

NM_024876.4(COQ8B):c.188G>T (p.Arg63Leu)

Gene: COQ8B (coenzyme Q8B; minus strand). Cytogenetic location: 19q13.2.
Variant type: single nucleotide variant.
Coding change: c.188G>T on transcript NM_024876.4 (MANE Select); coding-DNA position 188, G replaced by T.
Protein change: p.Arg63Leu; replaces arginine 63 with leucine.
Molecular consequence: missense variant.
Genome position (GRCh38, 1-based): chr19:40,714,312, C>A on the plus strand (G>T on the coding strand, the complement: COQ8B is on the minus strand). VCF-style: chr19-40714312-C-A. GRCh37 (hg19) VCF-style: chr19-41220217-C-A.
Other names: c.188G>T, p.Arg63Leu (NM_001142555.3); short protein forms R63L.
Identifiers: ClinVar variation 2116210 (VCV002116210.4), dbSNP rs548830266, ClinGen allele CA9450522.

ClinVar aggregate classification (germline): Uncertain significance (1 of 4 stars; one submission).

gnomAD v4.1: 1 of 1,613,936 alleles (0.000062%); highest among the groups gnomAD compares: Non-Finnish European, 0.000085%; no homozygotes.

Submission:

Labcorp Genetics (formerly Invitae), Labcorp
Classification: Uncertain significance. Last evaluated: 2022-06-17. Review status: criteria provided, single submitter. Criteria: Invitae Variant Classification Sherloc (09022015). Collection method: clinical testing. Allele origin: germline.
Comment: Algorithms developed to predict the effect of missense changes on protein structure and function are either unavailable or do not agree on the potential impact of this missense change (SIFT: "Tolerated"; PolyPhen-2: "Probably Damaging"; Align-GVGD: "Class C0"). This sequence change replaces arginine, which is basic and polar, with leucine, which is neutral and non-polar, at codon 63 of the COQ8B protein (p.Arg63Leu). This variant is present in population databases (rs548830266, gnomAD 0.0009%). This variant has not been reported in the literature in individuals affected with COQ8B-related conditions. In summary, the available evidence is currently insufficient to determine the role of this variant in disease. Therefore, it has been classified as a Variant of Uncertain Significance.